The following is an entry in ClinVar:

ClinVar aggregate classification (germline): Uncertain significance (1 of 4 stars; one submission).

Conditions:
Early-infantile DEE. Also called: Ohtahara syndrome; Early infantile epileptic encephalopathy; Early infantile epileptic encephalopathy with suppression bursts. Identifiers: Orphanet 1934, MedGen C0393706, MONDO:0800491.

Submission:

Labcorp Genetics (formerly Invitae), Labcorp
Classification: Uncertain significance for Early-infantile DEE. Last evaluated: 2020-02-26. Review status: criteria provided, single submitter. Criteria: Invitae Variant Classification Sherloc (09022015). Collection method: clinical testing. Allele origin: germline.
Comment: In summary, the available evidence is currently insufficient to determine the role of this variant in disease. Therefore, it has been classified as a Variant of Uncertain Significance. This sequence change replaces glycine with valine at codon 1104 of the CACNA2D2 protein (p.Gly1104Val). The glycine residue is highly conserved and there is a moderate physicochemical difference between glycine and valine. This variant is not present in population databases (ExAC no frequency). This variant has not been reported in the literature in individuals with CACNA2D2-related conditions. Algorithms developed to predict the effect of missense changes on protein structure and function are either unavailable or do not agree on the potential impact of this missense change (SIFT: "Deleterious"; PolyPhen-2: "Probably Damaging"; Align-GVGD: "Class C0").

NM_006030.4(CACNA2D2):c.3311G>T (p.Gly1104Val)

Genes: CACNA2D2 (calcium voltage-gated channel auxiliary subunit alpha2delta 2; minus strand), LOC127898564 (CYB561D2-LOC101928965; plus strand). Cytogenetic location: 3p21.31.
Variant type: single nucleotide variant.
Coding change: c.3311G>T on transcript NM_006030.4 (MANE Select); coding-DNA position 3311, G replaced by T.
Protein change: p.Gly1104Val; replaces glycine 1104 with valine.
Molecular consequence: missense variant.
Genome position (GRCh38, 1-based): chr3:50,364,787, C>A on the plus strand (G>T on the coding strand, the complement: CACNA2D2 is on the minus strand). VCF-style: chr3-50364787-C-A. GRCh37 (hg19) VCF-style: chr3-50402218-C-A.
Other names: c.3317G>T, p.Gly1106Val (NM_001005505.3); c.3332G>T, p.Gly1111Val (NM_001174051.3); c.3110G>T, p.Gly1037Val (NM_001291101.1); short protein forms G1037V, G1104V, G1111V, G1106V.
Identifiers: ClinVar variation 1037817 (VCV001037817.6), dbSNP rs1704132686, ClinGen allele CA352961159.